The following is an entry in ClinVar:

ClinVar aggregate classification (germline): Uncertain significance (1 of 4 stars; one submission).

Conditions:
PRPH2-related disorder. Also called: PRPH2-related condition; PRPH2-related disorders. Identifiers: MedGen CN239395.

Allele frequency attached by ClinVar (database versions not stated): TOPMed 0.00001.

Submission:

Labcorp Genetics (formerly Invitae), Labcorp
Classification: Uncertain significance for PRPH2-related disorder. Last evaluated: 2020-09-11. Review status: criteria provided, single submitter. Criteria: Invitae Variant Classification Sherloc (09022015). Collection method: clinical testing. Allele origin: germline.
Comment: This sequence change replaces lysine with asparagine at codon 15 of the PRPH2 protein (p.Lys15Asn). The lysine residue is highly conserved and there is a moderate physicochemical difference between lysine and asparagine. This variant is not present in population databases (ExAC no frequency). This variant has not been reported in the literature in individuals with PRPH2-related conditions. In summary, the available evidence is currently insufficient to determine the role of this variant in disease. Therefore, it has been classified as a Variant of Uncertain Significance. Advanced modeling of protein sequence and biophysical properties (such as structural, functional, and spatial information, amino acid conservation, physicochemical variation, residue mobility, and thermodynamic stability) performed at Invitae indicates that this missense variant is expected to disrupt PRPH2 protein function.

NM_000322.5(PRPH2):c.45G>T (p.Lys15Asn)

Gene: PRPH2 (peripherin 2; minus strand). Cytogenetic location: 6p21.1.
Variant type: single nucleotide variant.
Coding change: c.45G>T on transcript NM_000322.5 (MANE Select); coding-DNA position 45, G replaced by T.
Protein change: p.Lys15Asn; replaces lysine 15 with asparagine.
Molecular consequence: missense variant.
Genome position (GRCh38, 1-based): chr6:42,722,290, C>A on the plus strand (G>T on the coding strand, the complement: PRPH2 is on the minus strand). VCF-style: chr6-42722290-C-A. GRCh37 (hg19) VCF-style: chr6-42690028-C-A.
Other names: short protein forms K15N.
Identifiers: ClinVar variation 1055367 (VCV001055367.9), dbSNP rs1761920330, ClinGen allele CA364138890.